The following is an entry in ClinVar:

ClinVar aggregate classification (germline): Pathogenic/Likely pathogenic. Review status: criteria provided, multiple submitters, no conflicts (2 of 4 stars). 4 submissions from 4 submitters: Pathogenic (3); Likely pathogenic (1). Last evaluated 2025-03-18.

Conditions:
Neurofibromatosis, type 1 (NF1). Also called: Peripheral type neurofibromatosis; Neurofibromatosis, type I; VON RECKLINGHAUSEN DISEASE; NEUROFIBROMATOSIS, TYPE I, SOMATIC. Identifiers: Orphanet 636, MedGen C0027831, MONDO:0018975, OMIM 162200. Disease mechanism: loss of function.
Hereditary cancer-predisposing syndrome. Also called: Neoplastic Syndromes, Hereditary; Hereditary neoplastic syndrome; Hereditary Cancer Syndrome; Tumor predisposition. Identifiers: Orphanet 140162, MedGen C0027672, MeSH D009386, MONDO:0015356.
Cardiovascular phenotype. Identifiers: MedGen CN230736.

Submissions (4):

Ambry Genetics
Classification: Likely pathogenic for Cardiovascular phenotype; Hereditary cancer-predisposing syndrome. Last evaluated: 2025-03-18. Review status: criteria provided, single submitter. Criteria: Ambry Variant Classification Scheme 2023. Collection method: clinical testing. Allele origin: germline.
Comment: The c.1722-11T>G intronic variant results from a T to G substitution 11 nucleotides upstream from coding exon 16 in the NF1 gene. This variant was reported in individual(s) with features consistent with neurofibromatosis type 1; in at least one individual, it was determined to be de novo (Wimmer K et al. Hum Mutat, 2020 Jun;41:1145-1156; Ambry internal data). This nucleotide position is highly conserved in available vertebrate species. In silico splice site analysis predicts that this alteration will weaken the native splice acceptor site. RNA studies have demonstrated that this alteration results in skipping of exons 15-16 and exon 16 (Wimmer K et al. Hum Mutat, 2020 Jun;41:1145-1156). This variant is considered to be rare based on population cohorts in the Genome Aggregation Database (gnomAD). Based on the majority of available evidence to date, this variant is likely to be pathogenic.

Genome-Nilou Lab
Classification: Pathogenic for Neurofibromatosis, type 1. Last evaluated: 2022-03-15. Review status: criteria provided, single submitter. Criteria: ACMG Guidelines, 2015. Collection method: clinical testing. Allele origin: germline. Affected: no.

Labcorp Genetics (formerly Invitae), Labcorp
Classification: Pathogenic for Neurofibromatosis, type 1. Last evaluated: 2021-02-24. Review status: criteria provided, single submitter. Criteria: Invitae Variant Classification Sherloc (09022015). Collection method: clinical testing. Allele origin: germline.
Comment: This sequence change falls in intron 15 of the NF1 gene. It does not directly change the encoded amino acid sequence of the NF1 protein. This variant is not present in population databases (ExAC no frequency). This variant has been observed in individual(s) with neurofibromatosis type I (PMID: 32126153, Invitae). In at least one individual the variant was observed to be de novo. ClinVar contains an entry for this variant (Variation ID: 873035). Experimental studies have shown that this variant disrupts mRNA splicing and is expected to lead to the loss of protein expression (PMID: 32126153). For these reasons, this variant has been classified as Pathogenic.

Institute of Human Genetics, Medical University Innsbruck
Classification: Pathogenic for Neurofibromatosis, type 1. Last evaluated: 2020-01-20. Review status: criteria provided, single submitter. Criteria: ACMG Guidelines, 2015. Collection method: clinical testing. Allele origin: germline. Affected: yes.

Literature cited by the submitters: PubMed 32126153 (cited by Ambry Genetics and Labcorp Genetics (formerly Invitae), Labcorp); DOI 10.1002/humu.24005 (cited by Institute of Human Genetics, Medical University Innsbruck).

NM_001042492.3(NF1):c.1722-11T>G

Gene: NF1 (neurofibromin 1; plus strand). Cytogenetic location: 17q11.2.
Variant type: single nucleotide variant.
Coding change: c.1722-11T>G on transcript NM_001042492.3 (MANE Select); 11 bases into the intron before coding-DNA position 1722, T replaced by G.
Molecular consequence: intron variant.
Genome position (GRCh38, 1-based): chr17:31,223,433, T>G. VCF-style: chr17-31223433-T-G. GRCh37 (hg19) VCF-style: chr17-29550451-T-G.
Other names: c.1722-11T>G (NM_000267.4).
Identifiers: ClinVar variation 873035 (VCV000873035.10), dbSNP rs2066961306, ClinGen allele CA1139665411.
Genomic context (GRCh38, chr17:31,223,433, plus strand): 5'-TTCTTATGTCTGGTTATATCTGCATTAGGTTATTGATGATGCTAGTAACAATGAACTTTA[T>G]GTTACTGCAGCTCACAAATGCTTTTTTACATCTGCAAGAAATTAACTAGTCATCAAATGC-3'